The following is an entry in ClinVar:

NM_004733.4(SLC33A1):c.154C>G (p.Leu52Val)

Gene: SLC33A1 (solute carrier family 33 member 1; minus strand). Cytogenetic location: 3q25.31.
Variant type: single nucleotide variant.
Coding change: c.154C>G on transcript NM_004733.4 (MANE Select); coding-DNA position 154, C replaced by G.
Protein change: p.Leu52Val; replaces leucine 52 with valine.
Molecular consequence: missense variant.
Genome position (GRCh38, 1-based): chr3:155,853,844, G>C on the plus strand (C>G on the coding strand, the complement: SLC33A1 is on the minus strand). VCF-style: chr3-155853844-G-C. GRCh37 (hg19) VCF-style: chr3-155571633-G-C.
Other names: c.154C>G (NM_004733.3); c.154C>G, p.Leu52Val (NM_001190992.2, NM_001363883.1); short protein forms L52V.
Identifiers: ClinVar variation 1469750 (VCV001469750.7), dbSNP rs756790835, ClinGen allele CA355144351.

ClinVar aggregate classification (germline): Uncertain significance. Review status: criteria provided, multiple submitters, no conflicts (2 of 4 stars). 2 submissions from 2 submitters: Uncertain significance (2). Last evaluated 2023-07-11.

Conditions:
Spastic paraplegia. Identifiers: MedGen C0037772, HP:0001258.

Allele frequency attached by ClinVar (database versions not stated): gnomAD exomes 0.00001.
gnomAD v4.1: 14 of 1,602,360 alleles (0.00087%); highest among the groups gnomAD compares: South Asian, 0.0011%; no homozygotes.

Submissions (2):

GeneDx
Classification: Uncertain significance. Last evaluated: 2023-07-11. Review status: criteria provided, single submitter. Criteria: GeneDx Variant Classification Process June 2021. Collection method: clinical testing. Allele origin: germline. Affected: yes.
Comment: In silico analysis supports that this missense variant does not alter protein structure/function; Has not been previously published as pathogenic or benign to our knowledge

Labcorp Genetics (formerly Invitae), Labcorp
Classification: Uncertain significance for Spastic paraplegia. Last evaluated: 2022-08-15. Review status: criteria provided, single submitter. Criteria: Invitae Variant Classification Sherloc (09022015). Collection method: clinical testing. Allele origin: germline.
Comment: This sequence change replaces leucine, which is neutral and non-polar, with valine, which is neutral and non-polar, at codon 52 of the SLC33A1 protein (p.Leu52Val). This variant is present in population databases (no rsID available, gnomAD 0.0009%). This variant has not been reported in the literature in individuals affected with SLC33A1-related conditions. ClinVar contains an entry for this variant (Variation ID: 1469750). Algorithms developed to predict the effect of missense changes on protein structure and function (SIFT, PolyPhen-2, Align-GVGD) all suggest that this variant is likely to be tolerated. In summary, the available evidence is currently insufficient to determine the role of this variant in disease. Therefore, it has been classified as a Variant of Uncertain Significance.